The following is an entry in ClinVar:

ClinVar aggregate classification (germline): Uncertain significance. Review status: criteria provided, multiple submitters, no conflicts (2 of 4 stars). 2 submissions from 2 submitters: Uncertain significance (2). Last evaluated 2025-04-03.

Conditions:
Primary ciliary dyskinesia. Also called: Ciliary dyskinesia. Identifiers: Orphanet 244, MedGen C0008780, MONDO:0016575, HP:0012265.

Allele frequency attached by ClinVar (database versions not stated): ExAC 0.00001; TOPMed 0.00001.
gnomAD v4.1: 6 of 1,613,644 alleles (0.00037%); highest among the groups gnomAD compares: Non-Finnish European, 0.00042%; no homozygotes.

Submissions (2):

Ambry Genetics
Classification: Uncertain significance for Primary ciliary dyskinesia. Last evaluated: 2025-04-03. Review status: criteria provided, single submitter. Criteria: Ambry Variant Classification Scheme 2023. Collection method: clinical testing. Allele origin: germline.

Labcorp Genetics (formerly Invitae), Labcorp
Classification: Uncertain significance for Primary ciliary dyskinesia. Last evaluated: 2024-12-09. Review status: criteria provided, single submitter. Criteria: Invitae Variant Classification Sherloc (09022015). Collection method: clinical testing. Allele origin: germline.
Comment: This sequence change replaces arginine, which is basic and polar, with cysteine, which is neutral and slightly polar, at codon 1097 of the CCDC40 protein (p.Arg1097Cys). This variant is present in population databases (rs769742464, gnomAD 0.002%). This variant has not been reported in the literature in individuals affected with CCDC40-related conditions. ClinVar contains an entry for this variant (Variation ID: 2201299). Invitae Evidence Modeling of protein sequence and biophysical properties (such as structural, functional, and spatial information, amino acid conservation, physicochemical variation, residue mobility, and thermodynamic stability) indicates that this missense variant is not expected to disrupt CCDC40 protein function with a negative predictive value of 80%. In summary, the available evidence is currently insufficient to determine the role of this variant in disease. Therefore, it has been classified as a Variant of Uncertain Significance.

NM_017950.4(CCDC40):c.3289C>T (p.Arg1097Cys)

Gene: CCDC40 (coiled-coil domain 40 molecular ruler complex subunit; plus strand). Cytogenetic location: 17q25.3.
Variant type: single nucleotide variant.
Coding change: c.3289C>T on transcript NM_017950.4 (MANE Select); coding-DNA position 3289, C replaced by T.
Protein change: p.Arg1097Cys; replaces arginine 1097 with cysteine.
Molecular consequence: missense variant.
Genome position (GRCh38, 1-based): chr17:80,099,635, C>T. VCF-style: chr17-80099635-C-T. GRCh37 (hg19) VCF-style: chr17-78073434-C-T.
Other names: c.3289C>T (NM_017950.3); short protein forms R1097C.
Identifiers: ClinVar variation 2201299 (VCV002201299.5), dbSNP rs769742464, ClinGen allele CA8814697.